The following is an entry in ClinVar:

NM_000223.4(KRT12):c.540T>G (p.Tyr180Ter)

Gene: KRT12 (keratin 12; minus strand). Cytogenetic location: 17q21.2.
Variant type: single nucleotide variant.
Coding change: c.540T>G on transcript NM_000223.4 (MANE Select); coding-DNA position 540, T replaced by G.
Protein change: p.Tyr180Ter; replaces tyrosine 180 with a stop codon.
Molecular consequence: nonsense.
Genome position (GRCh38, 1-based): chr17:40,866,647, A>C on the plus strand (T>G on the coding strand, the complement: KRT12 is on the minus strand). VCF-style: chr17-40866647-A-C. GRCh37 (hg19) VCF-style: chr17-39022899-A-C.
Other names: short protein forms Y180*.
Identifiers: ClinVar variation 2031333 (VCV002031333.4), dbSNP rs1181502247, ClinGen allele CA399387352.

ClinVar aggregate classification (germline): Uncertain significance (1 of 4 stars; one submission).

Submission:

Labcorp Genetics (formerly Invitae), Labcorp
Classification: Uncertain significance. Last evaluated: 2022-09-27. Review status: criteria provided, single submitter. Criteria: Invitae Variant Classification Sherloc (09022015). Collection method: clinical testing. Allele origin: germline.
Comment: In summary, the available evidence is currently insufficient to determine the role of this variant in disease. Therefore, it has been classified as a Variant of Uncertain Significance. This variant has not been reported in the literature in individuals affected with KRT12-related conditions. This variant is not present in population databases (gnomAD no frequency). This sequence change creates a premature translational stop signal (p.Tyr180*) in the KRT12 gene. It is expected to result in an absent or disrupted protein product. However, the current clinical and genetic evidence is not sufficient to establish whether loss-of-function variants in KRT12 cause disease.